The following is an entry in ClinVar:

ClinVar aggregate classification (germline): Uncertain significance. Review status: criteria provided, multiple submitters, no conflicts (2 of 4 stars). 3 submissions from 3 submitters: Uncertain significance (3). Last evaluated 2024-06-21.

Conditions:
Inborn genetic diseases. Identifiers: MedGen C0950123, MeSH D030342.
Nephrolithiasis susceptibility caused by SLC26A1 (CAON1). Also called: NEPHROLITHIASIS, CALCIUM OXALATE, 1. Identifiers: MedGen C5779632, MONDO:0020722, OMIM 167030.
Hypersulfaturia (HYSULF). Identifiers: MedGen C5830511, MONDO:0957268, OMIM 620372.

Allele frequency attached by ClinVar (database versions not stated): TOPMed 0.00007; gnomAD 0.00008 and 0.00009; 1000 Genomes Project 30x 0.00016; gnomAD exomes 0.00016 and 0.00017; 1000 Genomes Project 0.00020; ExAC 0.00040.
gnomAD v4.1: 231 of 1,556,824 alleles (0.015%); highest among the groups gnomAD compares: South Asian, 0.085%; no homozygotes.

Submissions (3):

Fulgent Genetics
Classification: Uncertain significance for Nephrolithiasis susceptibility caused by SLC26A1; Hypersulfaturia. Last evaluated: 2024-06-21. Review status: criteria provided, single submitter. Criteria: ACMG Guidelines, 2015. Collection method: clinical testing. Allele origin: germline.

Ambry Genetics
Classification: Uncertain significance for Inborn genetic diseases. Last evaluated: 2023-05-23. Review status: criteria provided, single submitter. Criteria: Ambry Variant Classification Scheme 2023. Collection method: clinical testing. Allele origin: germline.

Labcorp Genetics (formerly Invitae), Labcorp
Classification: Uncertain significance. Last evaluated: 2023-05-15. Review status: criteria provided, single submitter. Criteria: Invitae Variant Classification Sherloc (09022015). Collection method: clinical testing. Allele origin: germline.
Comment: This variant has not been reported in the literature in individuals affected with SLC26A1-related conditions. This sequence change replaces alanine, which is neutral and non-polar, with threonine, which is neutral and polar, at codon 397 of the SLC26A1 protein (p.Ala397Thr). This variant is present in population databases (rs572968482, gnomAD 0.08%), and has an allele count higher than expected for a pathogenic variant. ClinVar contains an entry for this variant (Variation ID: 1403585). Advanced modeling of protein sequence and biophysical properties (such as structural, functional, and spatial information, amino acid conservation, physicochemical variation, residue mobility, and thermodynamic stability) performed at Invitae indicates that this missense variant is not expected to disrupt SLC26A1 protein function. In summary, the available evidence is currently insufficient to determine the role of this variant in disease. Therefore, it has been classified as a Variant of Uncertain Significance.

NM_022042.4(SLC26A1):c.1189G>A (p.Ala397Thr)

Genes: SLC26A1 (solute carrier family 26 member 1; minus strand), IDUA (alpha-L-iduronidase; plus strand). Cytogenetic location: 4p16.3.
Variant type: single nucleotide variant.
Coding change: c.1189G>A on transcript NM_022042.4 (MANE Select); coding-DNA position 1189, G replaced by A.
Protein change: p.Ala397Thr; replaces alanine 397 with threonine.
Molecular consequence: missense variant. On other transcripts: intron variant (2).
Genome position (GRCh38, 1-based): chr4:989,750, C>T on the plus strand (G>A on the coding strand, the complement: SLC26A1 is on the minus strand). VCF-style: chr4-989750-C-T. GRCh37 (hg19) VCF-style: chr4-983538-C-T.
Other names: c.1189G>A (NM_213613.2); c.1189G>A, p.Ala397Thr (NM_213613.4); c.576+1378G>A (NM_134425.4); c.299+1801C>T (NM_000203.5); short protein forms A397T.
Identifiers: ClinVar variation 1403585 (VCV001403585.10), dbSNP rs572968482, ClinGen allele CA2801441.